The following is an entry in ClinVar:

NM_000282.4(PCCA):c.2056G>T (p.Glu686Ter)

Gene: PCCA (propionyl-CoA carboxylase subunit alpha; plus strand). Cytogenetic location: 13q32.3.
Variant type: single nucleotide variant.
Coding change: c.2056G>T on transcript NM_000282.4 (MANE Select); coding-DNA position 2056, G replaced by T.
Protein change: p.Glu686Ter; replaces glutamic acid 686 with a stop codon.
Molecular consequence: nonsense. On other transcripts: non-coding transcript variant (5).
Genome position (GRCh38, 1-based): chr13:100,527,690, G>T. VCF-style: chr13-100527690-G-T. GRCh37 (hg19) VCF-style: chr13-101179944-G-T.
Other names: c.1978G>T, p.Glu660Ter (NM_001127692.3); c.1915G>T, p.Glu639Ter (NM_001178004.2); c.2002G>T, p.Glu668Ter (NM_001352605.2); c.1912G>T, p.Glu638Ter (NM_001352606.2); c.1837G>T, p.Glu613Ter (NM_001352607.2); c.1834G>T, p.Glu612Ter (NM_001352608.2); c.1111G>T, p.Glu371Ter (NM_001352610.2); c.1057G>T, p.Glu353Ter (NM_001352611.2); and 1 more; short protein forms E686*, E323*, E353*, E371*, E668*, E612*, E613*, E639*.
Identifiers: ClinVar variation 552545 (VCV000552545.9), dbSNP rs1241896966, ClinGen allele CA388640607.
Genomic context (GRCh38, chr13:100,527,690, plus strand): 5'-AAAATTAGAATGCTTTTAAAACTTCTGCCCATTTTTGTTTTCCAGGTAGCAGAAGGTCAA[G>T]AAATTTGTGTGATTGAAGCCATGAAAATGCAGAATAGTATGACAGCTGGGAAAACTGGCA-3'

ClinVar aggregate classification (germline): Pathogenic/Likely pathogenic. Review status: criteria provided, multiple submitters, no conflicts (2 of 4 stars). 4 submissions from 4 submitters: Pathogenic (2); Likely pathogenic (1). 1 of the submissions does not count toward it. Last evaluated 2025-03-31.

Conditions:
Propionic acidemia (PROP). Also called: GLYCINEMIA, KETOTIC; HYPERGLYCINEMIA WITH KETOACIDOSIS AND LEUKOPENIA; KETOTIC HYPERGLYCINEMIA. Identifiers: Orphanet 35, MedGen C0268579, MONDO:0011628, OMIM 606054, HP:0003571.

Allele frequency attached by ClinVar (database versions not stated): gnomAD 0.00001; TOPMed 0.00001.

Submissions (4):

Natera, Inc.
Classification: Likely pathogenic for Propionic acidemia. Last evaluated: 2025-03-31. Review status: criteria provided, single submitter. Criteria: Natera Variant Classification Schema (03/2026). Collection method: clinical testing. Allele origin: germline.
Comment: The c.2056G>T variant in PCCA is a nonsense variant predicted to introduce a stop codon at amino acid 686. This variant is expected to result in nonsense mediated decay, truncation, or a dysfunctional protein product. This variant is rare in the general population with a frequency below the threshold expected for the associated phenotype(s). Given the available evidence, this variant is classified as Likely Pathogenic.

Labcorp Genetics (formerly Invitae), Labcorp
Classification: Pathogenic for Propionic acidemia. Last evaluated: 2024-02-05. Review status: criteria provided, single submitter. Criteria: Invitae Variant Classification Sherloc (09022015). Collection method: clinical testing. Allele origin: germline.
Comment: This sequence change creates a premature translational stop signal (p.Glu686*) in the PCCA gene. It is expected to result in an absent or disrupted protein product. Loss-of-function variants in PCCA are known to be pathogenic (PMID: 15464417). This variant is not present in population databases (gnomAD no frequency). This variant has not been reported in the literature in individuals affected with PCCA-related conditions. ClinVar contains an entry for this variant (Variation ID: 552545). For these reasons, this variant has been classified as Pathogenic.

Baylor Genetics
Classification: Pathogenic for Propionic acidemia. Last evaluated: 2023-10-31. Review status: criteria provided, single submitter. Criteria: ACMG Guidelines, 2015. Collection method: clinical testing. Allele origin: unknown.

Counsyl
Classification: Likely pathogenic for Propionic acidemia. Last evaluated: 2017-06-20. Review status: no assertion criteria provided. Collection method: clinical testing. Allele origin: unknown. Not counted in ClinVar's aggregate classification.

Literature cited by the submitters: PubMed 15464417 (cited by Labcorp Genetics (formerly Invitae), Labcorp).